The following is an entry in ClinVar:

ClinVar aggregate classification (germline): Likely benign (0 of 4 stars; one submission).

Conditions:
SEMA3C-related disorder. Also called: SEMA3C-related condition.

gnomAD v4.1: 1 of 1,594,982 alleles (0.000063%); highest among the groups gnomAD compares: Non-Finnish European, 0.000085%; no homozygotes.

Submission:

PreventionGenetics, part of Exact Sciences
Classification: Likely benign for SEMA3C-related condition. Last evaluated: 2024-06-27. Review status: no assertion criteria provided. Collection method: clinical testing. Allele origin: germline.
Comment: This variant is classified as likely benign based on ACMG/AMP sequence variant interpretation guidelines (Richards et al. 2015 PMID: 25741868, with internal and published modifications).

NM_006379.5(SEMA3C):c.658+3A>G

Gene: SEMA3C (semaphorin 3C; minus strand). Cytogenetic location: 7q21.11.
Variant type: single nucleotide variant.
Coding change: c.658+3A>G on transcript NM_006379.5 (MANE Select); 3 bases into the intron after coding-DNA position 658, A replaced by G.
Molecular consequence: intron variant.
Genome position (GRCh38, 1-based): chr7:80,805,636, T>C on the plus strand (A>G on the coding strand, the complement: SEMA3C is on the minus strand). VCF-style: chr7-80805636-T-C. GRCh37 (hg19) VCF-style: chr7-80434952-T-C.
Other names: c.712+3A>G (NM_001350120.2); c.484+3A>G (NM_001350121.2).
Identifiers: ClinVar variation 3346395 (VCV003346395.1).